The following is an entry in ClinVar:

ClinVar aggregate classification (germline): Uncertain significance (1 of 4 stars; one submission).

Conditions:
PEX3-related disorder. Also called: PEX3-related condition.

gnomAD v4.1: 1 of 1,608,832 alleles (0.000062%); no homozygotes.

Submission:

PreventionGenetics, part of Exact Sciences
Classification: Uncertain significance for PEX3-related condition. Last evaluated: 2026-04-02. Review status: criteria provided, single submitter. Criteria: ACMG Guidelines, 2015. Collection method: clinical testing. Allele origin: germline.
Comment: The PEX3 c.286A>G variant is predicted to result in the amino acid substitution p.Arg96Gly. To our knowledge, this variant has not been reported in the literature or in a large population database (gnomAD), indicating this variant is rare. At this time, the clinical significance of this variant is uncertain due to the absence of conclusive functional and genetic evidence.

NM_003630.3(PEX3):c.286A>G (p.Arg96Gly)

Gene: PEX3 (peroxisomal biogenesis factor 3; plus strand). Cytogenetic location: 6q24.2.
Variant type: single nucleotide variant.
Coding change: c.286A>G on transcript NM_003630.3 (MANE Select); coding-DNA position 286, A replaced by G.
Protein change: p.Arg96Gly; replaces arginine 96 with glycine.
Molecular consequence: missense variant.
Genome position (GRCh38, 1-based): chr6:143,462,996, A>G. VCF-style: chr6-143462996-A-G. GRCh37 (hg19) VCF-style: chr6-143784133-A-G.
Other names: short protein forms R96G.
Identifiers: ClinVar variation 4987741 (VCV004987741.1).
Genomic context (GRCh38, chr6:143,462,996, plus strand): 5'-CTGAGAGAGGCCTTAATGCAGCAACTGAATTCCGAGAGCCTCACAGCTCTGCTAAAAAAC[A>G]GGTAAATGCAAGTTACAGCATTTTCTGTTTAAGCACTACACTTAAAGTTTATAGAATGAA-3'
Protein context (NP_003621.1, residues 86-106): SESLTALLKN[Arg96Gly]PSNKLEIWED